The following is an entry in ClinVar:

ClinVar aggregate classification (germline): Uncertain significance (1 of 4 stars; one submission).

Submission:

Quest Diagnostics Nichols Institute San Juan Capistrano
Classification: Uncertain significance. Last evaluated: 2024-06-24. Review status: criteria provided, single submitter. Criteria: Quest Diagnostics criteria. Collection method: clinical testing. Allele origin: unknown.
Comment: The BLM c.694A>C (p.Ser232Arg) variant has not been reported in individuals with BLM-related conditions in the published literature. It also has not been reported in large, multi-ethnic general populations (Genome Aggregation Database). Analysis of this variant using bioinformatics tools for the prediction of the effect of amino acid changes on protein structure and function yielded predictions that this variant is benign. Based on the available information, we are unable to determine the clinical significance of this variant.

NM_000057.4(BLM):c.694A>C (p.Ser232Arg)

Gene: BLM (BLM RecQ like helicase; plus strand). Cytogenetic location: 15q26.1.
Variant type: single nucleotide variant.
Coding change: c.694A>C on transcript NM_000057.4 (MANE Select); coding-DNA position 694, A replaced by C.
Protein change: p.Ser232Arg; replaces serine 232 with arginine.
Molecular consequence: missense variant. On other transcripts: 5 prime UTR variant (1).
Genome position (GRCh38, 1-based): chr15:90,749,962, A>C. VCF-style: chr15-90749962-A-C. GRCh37 (hg19) VCF-style: chr15-91293192-A-C.
Other names: c.694A>C, p.Ser232Arg (NM_001287246.2, NM_001287247.2); c.-598A>C (NM_001287248.2); short protein forms S232R.
Identifiers: ClinVar variation 3572338 (VCV003572338.1).